The following is an entry in ClinVar:

ClinVar aggregate classification (germline): Uncertain significance. Review status: criteria provided, multiple submitters, no conflicts (2 of 4 stars). 3 submissions from 3 submitters: Uncertain significance (3). Last evaluated 2025-04-17.

Conditions:
Hereditary cancer-predisposing syndrome. Also called: Neoplastic Syndromes, Hereditary; Tumor predisposition; Hereditary neoplastic syndrome; Hereditary Cancer Syndrome. Identifiers: Orphanet 140162, MedGen C0027672, MeSH D009386, MONDO:0015356.

Allele frequency attached by ClinVar (database versions not stated): TOPMed below 0.00001; gnomAD 0.00001; ExAC 0.00002; gnomAD exomes 0.00002.
gnomAD v4.1: 6 of 1,614,098 alleles (0.00037%); highest among the groups gnomAD compares: East Asian, 0.0022%; no homozygotes.

Submissions (3):

Labcorp Genetics (formerly Invitae), Labcorp
Classification: Uncertain significance. Last evaluated: 2025-04-17. Review status: criteria provided, single submitter. Criteria: Invitae Variant Classification Sherloc (09022015). Collection method: clinical testing. Allele origin: germline.
Comment: This sequence change replaces valine, which is neutral and non-polar, with isoleucine, which is neutral and non-polar, at codon 218 of the CTNNA1 protein (p.Val218Ile). This variant is present in population databases (rs752549253, gnomAD 0.006%). This variant has not been reported in the literature in individuals affected with CTNNA1-related conditions. ClinVar contains an entry for this variant (Variation ID: 826465). Invitae Evidence Modeling of protein sequence and biophysical properties (such as structural, functional, and spatial information, amino acid conservation, physicochemical variation, residue mobility, and thermodynamic stability) indicates that this missense variant is not expected to disrupt CTNNA1 protein function with a negative predictive value of 80%. In summary, the available evidence is currently insufficient to determine the role of this variant in disease. Therefore, it has been classified as a Variant of Uncertain Significance.

Ambry Genetics
Classification: Uncertain significance for Hereditary cancer-predisposing syndrome. Last evaluated: 2023-12-14. Review status: criteria provided, single submitter. Criteria: Ambry Variant Classification Scheme 2023. Collection method: clinical testing. Allele origin: germline.
Comment: The p.V218I variant (also known as c.652G>A), located in coding exon 5 of the CTNNA1 gene, results from a G to A substitution at nucleotide position 652. The valine at codon 218 is replaced by isoleucine, an amino acid with highly similar properties. This amino acid position is not well conserved in available vertebrate species. In addition, this alteration is predicted to be tolerated by in silico analysis. Since supporting evidence is limited at this time, the clinical significance of this alteration remains unclear.

GeneDx
Classification: Uncertain significance. Last evaluated: 2023-10-18. Review status: criteria provided, single submitter. Criteria: GeneDx Variant Classification Process June 2021. Collection method: clinical testing. Allele origin: germline. Affected: yes.
Comment: In silico analysis supports that this missense variant does not alter protein structure/function; Has not been previously published as pathogenic or benign to our knowledge

NM_001903.5(CTNNA1):c.652G>A (p.Val218Ile)

Gene: CTNNA1 (catenin alpha 1; plus strand). Cytogenetic location: 5q31.2.
Variant type: single nucleotide variant.
Coding change: c.652G>A on transcript NM_001903.5 (MANE Select); coding-DNA position 652, G replaced by A.
Protein change: p.Val218Ile; replaces valine 218 with isoleucine.
Molecular consequence: missense variant.
Genome position (GRCh38, 1-based): chr5:138,824,593, G>A. VCF-style: chr5-138824593-G-A. GRCh37 (hg19) VCF-style: chr5-138160282-G-A.
Other names: c.652G>A, p.Val218Ile (NM_001290307.3, NM_001323982.2, NM_001323983.1 and 3 more transcripts); c.343G>A, p.Val115Ile (NM_001290309.3); c.283G>A, p.Val95Ile (NM_001290310.3); c.652G>A (NM_001903.3); short protein forms V95I, V115I, V218I.
Identifiers: ClinVar variation 826465 (VCV000826465.12), dbSNP rs752549253, ClinGen allele CA3431517.